The following is an entry in ClinVar:

ClinVar aggregate classification (germline): Conflicting classifications of pathogenicity. Review status: criteria provided, conflicting classifications (1 of 4 stars). 4 submissions from 4 submitters: Pathogenic (1); Likely pathogenic (2); Uncertain significance (1). Last evaluated 2026-07-27.

Conditions:
Hypophosphatasia. Also called: Phosphoethanol-aminuria. Identifiers: Orphanet 436, MedGen C0020630, MeSH D007014, MONDO:0018570.
Adult hypophosphatasia. Identifiers: Orphanet 247676, Orphanet 436, MedGen C0268413, MONDO:1010154, OMIM 146300, MONDO:0007798.

Allele frequency attached by ClinVar (database versions not stated): gnomAD exomes below 0.00001; ExAC 0.00001; TOPMed 0.00002; gnomAD 0.00003.
gnomAD v4.1: 6 of 1,613,372 alleles (0.00037%); highest among the groups gnomAD compares: African/African-American, 0.0067%; no homozygotes.

Submissions (4):

Myriad Genetics, Inc.
Classification: Likely pathogenic for Hypophosphatasia. Last evaluated: 2026-07-27. Review status: criteria provided, single submitter. Criteria: Myriad Autosomal Dominant, Autosomal Recessive and X-Linked Classification Criteria (2023). Collection method: clinical testing. Allele origin: unknown.
Comment: NM_000478.4(ALPL):c.341C>T(A114V) is a missense variant classified as likely pathogenic in the context of hypophosphatasia. Please note that A114V is associated with autosomal dominant hypophosphatasia. The reproductive risk may be as high as 50%. A114V has been observed in cases with relevant disease (PMID: 29236161, 29246529, 39685776). Relevant functional assessments of this variant are available in the literature (PMID: 32160374). Internal structural analysis of the variant is supportive of pathogenicity. A114V has been observed in referenced population frequency databases. In summary, NM_000478.4(ALPL):c.341C>T(A114V) is a missense variant that has both functional and internal structural support for pathogenicity and has been observed more frequently in cases with the relevant disease than in healthy populations. Please note: this variant was assessed in the context of healthy population screening.

Genomenon, Inc
Classification: Pathogenic for Hypophosphatasia. Last evaluated: 2025-08-29. Review status: criteria provided, single submitter. Criteria: Genomenon Sequence Variant Interpretation Standards. Collection method: curation. Allele origin: germline. Affected: yes.
Comment: ALPL p.Ala114Val (c.341C>T) is a missense variant that changes the amino acid at residue 114 from Alanine to Valine. This variant has been observed in at least one proband affected with hypophosphatasia (PMID:29246529;29236161). At least one functional study has demonstrated a substantial alteration in protein function relative to the wild-type (PMID:32160374). It is absent or not present at a significant frequency in gnomAD. In silico models agree that this variant is possibly or probably damaging. In conclusion, we classify ALPL p.Ala114Val (c.341C>T) as a pathogenic variant.

Labcorp Genetics (formerly Invitae), Labcorp
Classification: Likely pathogenic. Last evaluated: 2025-04-14. Review status: criteria provided, single submitter. Criteria: Invitae Variant Classification Sherloc (09022015). Collection method: clinical testing. Allele origin: germline.
Comment: This sequence change replaces alanine, which is neutral and non-polar, with valine, which is neutral and non-polar, at codon 114 of the ALPL protein (p.Ala114Val). This variant is present in population databases (rs762915678, gnomAD 0.008%). This missense change has been observed in individual(s) with clinical features of hypophosphatasia (PMID: 29236161). ClinVar contains an entry for this variant (Variation ID: 976384). Invitae Evidence Modeling of protein sequence and biophysical properties (such as structural, functional, and spatial information, amino acid conservation, physicochemical variation, residue mobility, and thermodynamic stability) indicates that this missense variant is expected to disrupt ALPL protein function with a positive predictive value of 95%. Experimental studies have shown that this missense change affects ALPL function (PMID: 32160374). This variant disrupts the p.Ala114 amino acid residue in ALPL. Other variant(s) that disrupt this residue have been determined to be pathogenic (PMID: 11547844; internal data). This suggests that this residue is clinically significant, and that variants that disrupt this residue are likely to be disease-causing. In summary, the currently available evidence indicates that the variant is pathogenic, but additional data are needed to prove that conclusively. Therefore, this variant has been classified as Likely Pathogenic.

Institute of Human Genetics, University of Leipzig Medical Center
Classification: Uncertain significance for Adult hypophosphatasia. Last evaluated: 2017-11-07. Review status: criteria provided, single submitter. Criteria: ACMG Guidelines, 2015. Collection method: clinical testing. Allele origin: germline. Affected: yes. Observed: 1 variant allele.

Literature cited by the submitters: PubMed 29236161 (cited by 3 submitters); PubMed 29246529 (cited by Myriad Genetics, Inc. and Genomenon, Inc); PubMed 32160374 (cited by 3 submitters); PubMed 39685776 (cited by Myriad Genetics, Inc.); PubMed 11547844 (cited by Labcorp Genetics (formerly Invitae), Labcorp).

NM_000478.6(ALPL):c.341C>T (p.Ala114Val)

Gene: ALPL (alkaline phosphatase, biomineralization associated; plus strand). Cytogenetic location: 1p36.12.
Variant type: single nucleotide variant.
Coding change: c.341C>T on transcript NM_000478.6 (MANE Select); coding-DNA position 341, C replaced by T.
Protein change: p.Ala114Val; replaces alanine 114 with valine.
Molecular consequence: missense variant.
Genome position (GRCh38, 1-based): chr1:21,563,153, C>T. VCF-style: chr1-21563153-C-T. GRCh37 (hg19) VCF-style: chr1-21889646-C-T.
Other names: c.176C>T, p.Ala59Val (NM_001127501.4); c.110C>T, p.Ala37Val (NM_001177520.3); c.341C>T, p.Ala114Val (NM_001369803.2, NM_001369804.2, NM_001369805.2); short protein forms A114V, A37V, A59V.
Identifiers: ClinVar variation 976384 (VCV000976384.5), dbSNP rs762915678, ClinGen allele CA666463.